The following is an entry in ClinVar:

NM_004525.3(LRP2):c.3266G>A (p.Arg1089His)

Gene: LRP2 (LDL receptor related protein 2; minus strand). Cytogenetic location: 2q31.1.
Variant type: single nucleotide variant.
Coding change: c.3266G>A on transcript NM_004525.3 (MANE Select); coding-DNA position 3266, G replaced by A.
Protein change: p.Arg1089His; replaces arginine 1089 with histidine.
Molecular consequence: missense variant.
Genome position (GRCh38, 1-based): chr2:169,244,857, C>T on the plus strand (G>A on the coding strand, the complement: LRP2 is on the minus strand). VCF-style: chr2-169244857-C-T. GRCh37 (hg19) VCF-style: chr2-170101367-C-T.
Other names: short protein forms R1089H.
Identifiers: ClinVar variation 733774 (VCV000733774.13), dbSNP rs143115109, ClinGen allele CA1955074.

ClinVar aggregate classification (germline): Likely benign. Review status: criteria provided, multiple submitters, no conflicts (2 of 4 stars). 4 submissions from 4 submitters: Likely benign (2). 2 of the submissions do not count toward it. Last evaluated 2026-02-01.

Conditions:
LRP2-related disorder. Also called: LRP2-related condition.
Intellectual disability. Also called: intellectual disabilities; Intellectual developmental disorder; Intellectual functioning disability. Identifiers: MedGen C3714756, MeSH D008607, MONDO:0001071, HP:0001249.

Allele frequency attached by ClinVar (database versions not stated): ESP Exome Variant Server 0.00015; 1000 Genomes Project 30x 0.00016; gnomAD 0.00016 and 0.00017; 1000 Genomes Project 0.00020; TOPMed 0.00031; gnomAD exomes 0.00041; ExAC 0.00050.
gnomAD v4.1: 486 of 1,614,228 alleles (0.03%); highest among the groups gnomAD compares: Admixed American, 0.13%; no homozygotes.

Submissions (4):

Labcorp Genetics (formerly Invitae), Labcorp
Classification: Likely benign. Last evaluated: 2026-02-01. Review status: criteria provided, single submitter. Criteria: Invitae Variant Classification Sherloc (09022015). Collection method: clinical testing. Allele origin: germline.

Blueprint Genetics
Classification: Likely benign. Last evaluated: 2024-02-14. Review status: criteria provided, single submitter. Criteria: ACMG Guidelines, 2015. Collection method: clinical testing. Allele origin: germline.

PreventionGenetics, part of Exact Sciences
Classification: Likely benign for LRP2-related condition. Last evaluated: 2024-07-15. Review status: no assertion criteria provided. Collection method: clinical testing. Allele origin: germline. Not counted in ClinVar's aggregate classification.
Comment: This variant is classified as likely benign based on ACMG/AMP sequence variant interpretation guidelines (Richards et al. 2015 PMID: 25741868, with internal and published modifications).

Centre de Biologie Pathologie Génétique, Centre Hospitalier Universitaire de Lille
Classification: Likely benign for Intellectual disability. Last evaluated: 2019-01-01. Review status: no assertion criteria provided. Collection method: clinical testing. Allele origin: inherited. Affected: yes. Not counted in ClinVar's aggregate classification.